The following is an entry in ClinVar:

NM_001378969.1(KCND3):c.110G>A (p.Arg37Gln)

Gene: KCND3 (potassium voltage-gated channel subfamily D member 3; minus strand). Cytogenetic location: 1p13.2.
Variant type: single nucleotide variant.
Coding change: c.110G>A on transcript NM_001378969.1 (MANE Select); coding-DNA position 110, G replaced by A.
Protein change: p.Arg37Gln; replaces arginine 37 with glutamine.
Molecular consequence: missense variant.
Genome position (GRCh38, 1-based): chr1:111,982,617, C>T on the plus strand (G>A on the coding strand, the complement: KCND3 is on the minus strand). VCF-style: chr1-111982617-C-T. GRCh37 (hg19) VCF-style: chr1-112525239-C-T.
Other names: c.110G>A, p.Arg37Gln (NM_001378970.1, NM_004980.5, NM_172198.3); short protein forms R37Q.
Identifiers: ClinVar variation 1316993 (VCV001316993.2), dbSNP rs1675021542, ClinGen allele CA341822890.

ClinVar aggregate classification (germline): Uncertain significance (1 of 4 stars; one submission).

Submission:

GeneDx
Classification: Uncertain significance. Last evaluated: 2019-05-28. Review status: criteria provided, single submitter. Criteria: GeneDx Variant Classification Process June 2021. Collection method: clinical testing. Allele origin: germline. Affected: yes.
Comment: Not observed in large population cohorts (Lek et al., 2016); In silico analysis, which includes protein predictors and evolutionary conservation, supports that this variant does not alter protein structure/function; Has not been previously published as pathogenic or benign to our knowledge